The following is an entry in ClinVar:

ClinVar aggregate classification (germline): Uncertain significance (1 of 4 stars; one submission).

Allele frequency attached by ClinVar (database versions not stated): TOPMed below 0.00001; ExAC 0.00001.

Submission:

Labcorp Genetics (formerly Invitae), Labcorp
Classification: Uncertain significance. Last evaluated: 2022-08-08. Review status: criteria provided, single submitter. Criteria: Invitae Variant Classification Sherloc (09022015). Collection method: clinical testing. Allele origin: germline.
Comment: In summary, the available evidence is currently insufficient to determine the role of this variant in disease. Therefore, it has been classified as a Variant of Uncertain Significance. Algorithms developed to predict the effect of missense changes on protein structure and function are either unavailable or do not agree on the potential impact of this missense change (SIFT: "Deleterious"; PolyPhen-2: "Probably Damaging"; Align-GVGD: "Class C0"). This variant has not been reported in the literature in individuals affected with DSCAML1-related conditions. This variant is present in population databases (rs746867518, gnomAD 0.003%). This sequence change replaces arginine, which is basic and polar, with cysteine, which is neutral and slightly polar, at codon 275 of the DSCAML1 protein (p.Arg275Cys).

NM_020693.4(DSCAML1):c.643C>T (p.Arg215Cys)

Gene: DSCAML1 (DS cell adhesion molecule like 1; minus strand). Cytogenetic location: 11q23.3.
Variant type: single nucleotide variant.
Coding change: c.643C>T on transcript NM_020693.4 (MANE Select); coding-DNA position 643, C replaced by T.
Protein change: p.Arg215Cys; replaces arginine 215 with cysteine.
Molecular consequence: missense variant.
Genome position (GRCh38, 1-based): chr11:117,532,391, G>A on the plus strand (C>T on the coding strand, the complement: DSCAML1 is on the minus strand). VCF-style: chr11-117532391-G-A. GRCh37 (hg19) VCF-style: chr11-117403106-G-A.
Other names: c.643C>T, p.Arg215Cys (NM_001367904.1); c.235C>T, p.Arg79Cys (NM_001367905.1); short protein forms R79C, R215C.
Identifiers: ClinVar variation 1932732 (VCV001932732.5), dbSNP rs746867518, ClinGen allele CA6297498.